The following is an entry in ClinVar:

NM_020937.4(FANCM):c.610C>T (p.Pro204Ser)

Gene: FANCM (FA complementation group M; plus strand). Cytogenetic location: 14q21.2.
Variant type: single nucleotide variant.
Coding change: c.610C>T on transcript NM_020937.4 (MANE Select); coding-DNA position 610, C replaced by T.
Protein change: p.Pro204Ser; replaces proline 204 with serine.
Molecular consequence: missense variant.
Genome position (GRCh38, 1-based): chr14:45,137,170, C>T. VCF-style: chr14-45137170-C-T. GRCh37 (hg19) VCF-style: chr14-45606373-C-T.
Other names: c.610C>T, p.Pro204Ser (NM_001308134.2, NM_001308133.2); short protein forms P204S.
Identifiers: ClinVar variation 4844527 (VCV004844527.1).
Genomic context (GRCh38, chr14:45,137,170, plus strand): 5'-AAGAGAGTGCTTTTTCTTACACCTCAGGTCATGGTAAATGACCTTTCTAGAGGAGCTTGT[C>T]CCGCTGCTGAAATAAAGTGTTTAGTTATTGATGAAGCTCATAAAGCTCTCGGAAACTATG-3'
Protein context (NP_065988.1, residues 194-214): MVNDLSRGAC[Pro204Ser]AAEIKCLVID

ClinVar aggregate classification (germline): Uncertain significance (1 of 4 stars; one submission).

Conditions:
Inborn genetic diseases. Identifiers: MedGen C0950123, MeSH D030342.

Submission:

Ambry Genetics
Classification: Uncertain significance for Inborn genetic diseases. Last evaluated: 2026-01-16. Review status: criteria provided, single submitter. Criteria: Ambry Variant Classification Scheme 2023. Collection method: clinical testing. Allele origin: germline.
Comment: The p.P204S variant (also known as c.610C>T), located in coding exon 2 of the FANCM gene, results from a C to T substitution at nucleotide position 610. The proline at codon 204 is replaced by serine, an amino acid with similar properties. This amino acid position is conserved. In addition, this alteration is predicted to be tolerated by in silico analysis. Based on the available evidence, the clinical significance of this variant remains unclear.